The following is an entry in ClinVar:

ClinVar aggregate classification (germline): Uncertain significance. Review status: criteria provided, multiple submitters, no conflicts (2 of 4 stars). 2 submissions from 2 submitters: Uncertain significance (2). Last evaluated 2024-04-13.

Conditions:
Cardiovascular phenotype. Identifiers: MedGen CN230736.
Dilated cardiomyopathy 1KK (CMD1KK). Identifiers: Orphanet 154, Orphanet 75249, MedGen C3714995, MONDO:0014100, OMIM 615248.

Allele frequency attached by ClinVar (database versions not stated): gnomAD 0.00001; gnomAD exomes below 0.00001.
gnomAD v4.1: 7 of 1,613,938 alleles (0.00043%); highest among the groups gnomAD compares: Middle Eastern, 0.016%; no homozygotes.

Submissions (2):

Ambry Genetics
Classification: Uncertain significance for Cardiovascular phenotype. Last evaluated: 2024-04-13. Review status: criteria provided, single submitter. Criteria: Ambry Variant Classification Scheme 2023. Collection method: clinical testing. Allele origin: germline.
Comment: The p.G449C variant (also known as c.1345G>T), located in coding exon 6 of the MYPN gene, results from a G to T substitution at nucleotide position 1345. The glycine at codon 449 is replaced by cysteine, an amino acid with highly dissimilar properties. This amino acid position is conserved. In addition, this alteration is predicted to be deleterious by in silico analysis. Based on the available evidence, the clinical significance of this variant remains unclear.

Labcorp Genetics (formerly Invitae), Labcorp
Classification: Uncertain significance for Dilated cardiomyopathy 1KK. Last evaluated: 2017-05-09. Review status: criteria provided, single submitter. Criteria: Invitae Variant Classification Sherloc (09022015). Collection method: clinical testing. Allele origin: germline.
Comment: In summary, this variant is a novel missense change with uncertain impact on protein function. It has been classified as a Variant of Uncertain Significance. This variant is not present in population databases (ExAC no frequency) and has not been reported in the literature in individuals with a MYPN-related disease. Algorithms developed to predict the effect of missense changes on protein structure and function do not agree on the potential impact of this missense change (SIFT: "Deleterious"; PolyPhen-2: "Probably Damaging"; Align-GVGD: "Class C0"). This sequence change replaces glycine with cysteine at codon 449 of the MYPN protein (p.Gly449Cys). The glycine residue is highly conserved and there is a large physicochemical difference between glycine and cysteine.

NM_032578.4(MYPN):c.1345G>T (p.Gly449Cys)

Gene: MYPN (myopalladin; plus strand). Cytogenetic location: 10q21.3.
Variant type: single nucleotide variant.
Coding change: c.1345G>T on transcript NM_032578.4 (MANE Select); coding-DNA position 1345, G replaced by T.
Protein change: p.Gly449Cys; replaces glycine 449 with cysteine.
Molecular consequence: missense variant. On other transcripts: non-coding transcript variant (2).
Genome position (GRCh38, 1-based): chr10:68,158,513, G>T. VCF-style: chr10-68158513-G-T. GRCh37 (hg19) VCF-style: chr10-69918270-G-T.
Other names: c.1345G>T (NM_032578.2); c.1345G>T, p.Gly449Cys (NM_001256267.2); c.463G>T, p.Gly155Cys (NM_001256268.2); short protein forms G449C, G155C.
Identifiers: ClinVar variation 477740 (VCV000477740.9), dbSNP rs1279495838, ClinGen allele CA376834456.
Genomic context (GRCh38, chr10:68,158,513, plus strand): 5'-TTTGTTCTAACTACATTCTTCTTATCATTATAGATGCTACAAAATTTGTCAGCTTCTGAG[G>T]GTCAGCTGGTTGTCTTTGAATGCAGAGTAAAAGGAGCTCCATCTCCTAAGGTTGAGTGGT-3'
Protein context (NP_115967.2, residues 439-459): KMLQNLSASE[Gly449Cys]QLVVFECRVK